The following is an entry in ClinVar:

NM_020987.5(ANK3):c.2283+6C>T

Gene: ANK3 (ankyrin 3; minus strand). Cytogenetic location: 10q21.2.
Variant type: single nucleotide variant.
Coding change: c.2283+6C>T on transcript NM_020987.5 (MANE Select); 6 bases into the intron after coding-DNA position 2283, C replaced by T.
Molecular consequence: intron variant.
Genome position (GRCh38, 1-based): chr10:60,173,082, G>A on the plus strand (C>T on the coding strand, the complement: ANK3 is on the minus strand). VCF-style: chr10-60173082-G-A. GRCh37 (hg19) VCF-style: chr10-61932840-G-A.
Other names: c.2265+6C>T (NM_001204403.2); c.2232+6C>T (NM_001204404.2); c.2283+6C>T (NM_001320874.2).
Identifiers: ClinVar variation 1426936 (VCV001426936.6), dbSNP rs201767790, ClinGen allele CA208291445.
Genomic context (GRCh38, chr10:60,173,082, plus strand): 5'-TGATTCTTAATTCCTTTGAAGCAAAAATAAATGATTCTGGCAGAAACAAAAAAGGAAGGA[G>A]CTTACCTTTGTTTTGGCATTAACTTTTGCAGAATGCTGGAGCAGGAAATTAACAATCTTG-3'

ClinVar aggregate classification (germline): Uncertain significance (1 of 4 stars; one submission).

Allele frequency attached by ClinVar (database versions not stated): gnomAD exomes below 0.00001 and 0.00005; TOPMed 0.00001; gnomAD 0.00002.
gnomAD v4.1: 71 of 1,612,528 alleles (0.0044%); highest among the groups gnomAD compares: Non-Finnish European, 0.006%; no homozygotes.

Submission:

Labcorp Genetics (formerly Invitae), Labcorp
Classification: Uncertain significance. Last evaluated: 2022-06-05. Review status: criteria provided, single submitter. Criteria: Invitae Variant Classification Sherloc (09022015). Collection method: clinical testing. Allele origin: germline.
Comment: This sequence change falls in intron 19 of the ANK3 gene. It does not directly change the encoded amino acid sequence of the ANK3 protein. It affects a nucleotide within the consensus splice site. This variant is present in population databases (rs201767790, gnomAD 0.002%). This variant has not been reported in the literature in individuals affected with ANK3-related conditions. ClinVar contains an entry for this variant (Variation ID: 1426936). Experimental studies and prediction algorithms are not available or were not evaluated, and the functional significance of this variant is currently unknown. Variants that disrupt the consensus splice site are a relatively common cause of aberrant splicing (PMID: 17576681, 9536098). Algorithms developed to predict the effect of sequence changes on RNA splicing suggest that this variant is not likely to affect RNA splicing. In summary, the available evidence is currently insufficient to determine the role of this variant in disease. Therefore, it has been classified as a Variant of Uncertain Significance.

Literature cited by the submitters: PubMed 17576681; PubMed 9536098.